The following is an entry in ClinVar:

ClinVar aggregate classification (germline): Conflicting classifications of pathogenicity. Review status: criteria provided, conflicting classifications (1 of 4 stars). 4 submissions from 4 submitters: Uncertain significance (3); Likely benign (1). Last evaluated 2024-11-11.

Conditions:
Ataxia - intellectual disability - oculomotor apraxia - cerebellar cysts syndrome. Also called: Poretti-Boltshauser syndrome. Identifiers: Orphanet 370022, MedGen C4014821, MONDO:0014419, OMIM 615960.

Allele frequency attached by ClinVar (database versions not stated): gnomAD 0.00024 and 0.00025; gnomAD exomes 0.00027; TOPMed 0.00028; ESP Exome Variant Server 0.00031; ExAC 0.00033; 1000 Genomes Project 0.00060; 1000 Genomes Project 30x 0.00062.
gnomAD v4.1: 389 of 1,614,136 alleles (0.024%); highest among the groups gnomAD compares: Admixed American, 0.068%; no homozygotes.

Submissions (4):

GeneDx
Classification: Uncertain significance. Last evaluated: 2024-11-11. Review status: criteria provided, single submitter. Criteria: GeneDx Variant Classification Process June 2021. Collection method: clinical testing. Allele origin: germline. Affected: yes.
Comment: Has not been previously published as pathogenic or benign to our knowledge; In silico analysis supports that this missense variant has a deleterious effect on protein structure/function

Labcorp Genetics (formerly Invitae), Labcorp
Classification: Uncertain significance. Last evaluated: 2024-11-05. Review status: criteria provided, single submitter. Criteria: Invitae Variant Classification Sherloc (09022015). Collection method: clinical testing. Allele origin: germline.
Comment: This sequence change replaces proline, which is neutral and non-polar, with serine, which is neutral and polar, at codon 1402 of the LAMA1 protein (p.Pro1402Ser). This variant is present in population databases (rs202133880, gnomAD 0.06%). This variant has not been reported in the literature in individuals affected with LAMA1-related conditions. ClinVar contains an entry for this variant (Variation ID: 1032335). Invitae Evidence Modeling of protein sequence and biophysical properties (such as structural, functional, and spatial information, amino acid conservation, physicochemical variation, residue mobility, and thermodynamic stability) indicates that this missense variant is not expected to disrupt LAMA1 protein function with a negative predictive value of 80%. In summary, the available evidence is currently insufficient to determine the role of this variant in disease. Therefore, it has been classified as a Variant of Uncertain Significance.

3billion
Classification: Likely benign for Ataxia - intellectual disability - oculomotor apraxia - cerebellar cysts syndrome. Last evaluated: 2024-09-20. Review status: criteria provided, single submitter. Criteria: ACMG Guidelines, 2015. Collection method: clinical testing. Allele origin: germline. Affected: no.
Comment: The homozygous variant was found in patients diagnosed with another variant in a different gene, with no symptoms related to the gene containing the homozygous variant.

Baylor Genetics
Classification: Uncertain significance for Ataxia - intellectual disability - oculomotor apraxia - cerebellar cysts syndrome. Last evaluated: 2018-12-12. Review status: criteria provided, single submitter. Criteria: ACMG Guidelines, 2015. Collection method: clinical testing. Allele origin: paternal. Affected: yes.
Comment: This variant was determined to be of uncertain significance according to ACMG Guidelines, 2015 [PMID:25741868].

NM_005559.4(LAMA1):c.4204C>T (p.Pro1402Ser)

Gene: LAMA1 (laminin subunit alpha 1; minus strand). Cytogenetic location: 18p11.31.
Variant type: single nucleotide variant.
Coding change: c.4204C>T on transcript NM_005559.4 (MANE Select); coding-DNA position 4204, C replaced by T.
Protein change: p.Pro1402Ser; replaces proline 1402 with serine.
Molecular consequence: missense variant.
Genome position (GRCh38, 1-based): chr18:7,007,195, G>A on the plus strand (C>T on the coding strand, the complement: LAMA1 is on the minus strand). VCF-style: chr18-7007195-G-A. GRCh37 (hg19) VCF-style: chr18-7007194-G-A.
Other names: short protein forms P1402S.
Identifiers: ClinVar variation 1032335 (VCV001032335.10), dbSNP rs202133880, ClinGen allele CA8881995.